The following is an entry in ClinVar:

ClinVar aggregate classification (germline): Uncertain significance (1 of 4 stars; one submission).

Conditions:
Glycine encephalopathy. Also called: Non-ketotic hyperglycinemia; Nonketotic hyperglycinemia. Identifiers: Orphanet 407, MedGen C0751748, MONDO:0011612, HP:0008288.

Submission:

Labcorp Genetics (formerly Invitae), Labcorp
Classification: Uncertain significance for Glycine encephalopathy. Last evaluated: 2022-08-19. Review status: criteria provided, single submitter. Criteria: Invitae Variant Classification Sherloc (09022015). Collection method: clinical testing. Allele origin: germline.
Comment: This sequence change replaces alanine, which is neutral and non-polar, with serine, which is neutral and polar, at codon 31 of the GLDC protein (p.Ala31Ser). This variant is not present in population databases (gnomAD no frequency). This variant has not been reported in the literature in individuals affected with GLDC-related conditions. Advanced modeling of protein sequence and biophysical properties (such as structural, functional, and spatial information, amino acid conservation, physicochemical variation, residue mobility, and thermodynamic stability) performed at Invitae indicates that this missense variant is not expected to disrupt GLDC protein function. In summary, the available evidence is currently insufficient to determine the role of this variant in disease. Therefore, it has been classified as a Variant of Uncertain Significance.

NM_000170.3(GLDC):c.91G>T (p.Ala31Ser)

Gene: GLDC (glycine decarboxylase; minus strand). Cytogenetic location: 9p24.1.
Variant type: single nucleotide variant.
Coding change: c.91G>T on transcript NM_000170.3 (MANE Select); coding-DNA position 91, G replaced by T.
Protein change: p.Ala31Ser; replaces alanine 31 with serine.
Molecular consequence: missense variant.
Genome position (GRCh38, 1-based): chr9:6,645,409, C>A on the plus strand (G>T on the coding strand, the complement: GLDC is on the minus strand). VCF-style: chr9-6645409-C-A. GRCh37 (hg19) VCF-style: chr9-6645409-C-A.
Other names: short protein forms A31S.
Identifiers: ClinVar variation 2115696 (VCV002115696.4), dbSNP rs974805344, ClinGen allele CA372887192.